The following is an entry in ClinVar:

ClinVar aggregate classification (germline): Uncertain significance (1 of 4 stars; one submission).

Conditions:
Cardiovascular phenotype. Identifiers: MedGen CN230736.

Submission:

Ambry Genetics
Classification: Uncertain significance for Cardiovascular phenotype. Last evaluated: 2026-05-20. Review status: criteria provided, single submitter. Criteria: Ambry Variant Classification Scheme 2023. Collection method: clinical testing. Allele origin: germline.
Comment: The p.F1089I variant (also known as c.3265T>A), located in coding exon 26 of the JAG1 gene, results from a T to A substitution at nucleotide position 3265. The phenylalanine at codon 1089 is replaced by isoleucine, an amino acid with highly similar properties. This amino acid position is conserved. In addition, the in silico prediction for this alteration is inconclusive. Based on the available evidence, the clinical significance of this variant remains unclear.

NM_000214.3(JAG1):c.3265T>A (p.Phe1089Ile)

Gene: JAG1 (jagged canonical Notch ligand 1; minus strand). Cytogenetic location: 20p12.2.
Variant type: single nucleotide variant.
Coding change: c.3265T>A on transcript NM_000214.3 (MANE Select); coding-DNA position 3265, T replaced by A.
Protein change: p.Phe1089Ile; replaces phenylalanine 1089 with isoleucine.
Molecular consequence: missense variant.
Genome position (GRCh38, 1-based): chr20:10,639,890, A>T on the plus strand (T>A on the coding strand, the complement: JAG1 is on the minus strand). VCF-style: chr20-10639890-A-T. GRCh37 (hg19) VCF-style: chr20-10620538-A-T.
Other names: short protein forms F1089I.
Identifiers: ClinVar variation 4040701 (VCV004040701.2).